The following is an entry in ClinVar:

ClinVar aggregate classification (germline): Pathogenic/Likely pathogenic. Review status: criteria provided, multiple submitters, no conflicts (2 of 4 stars). 5 submissions from 5 submitters: Pathogenic (2); Likely pathogenic (3). Last evaluated 2025-12-04.

Conditions:
Retinitis pigmentosa 25 (RP25). Identifiers: Orphanet 791, MedGen C1864446, MONDO:0011272, OMIM 602772.
Retinitis pigmentosa (RP). Identifiers: Orphanet 791, MedGen C0035334, MeSH D012174, MONDO:0019200, OMIM 268000. Inheritance: Autosomal dominant, autosomal recessive and X linked inheritance.

Submissions (5):

Myriad Genetics, Inc.
Classification: Pathogenic for Retinitis pigmentosa 25. Last evaluated: 2025-12-04. Review status: criteria provided, single submitter. Criteria: Myriad Autosomal Dominant, Autosomal Recessive and X-Linked Classification Criteria (2023). Collection method: clinical testing. Allele origin: unknown.
Comment: NM_001142800.1(EYS):c.5290dupA(I1764Nfs*6) is a frameshift variant classified as pathogenic in the context of retinitis pigmentosa, EYS-related. I1764Nfs*6 has not been observed in cases with relevant disease. Relevant functional assessments of this variant are not available in the literature. I1764Nfs*6 has been observed in referenced population frequency databases. In summary, NM_001142800.1(EYS):c.5290dupA(I1764Nfs*6) is a frameshift variant in a gene where loss of function is a known mechanism of disease and is predicted to disrupt protein function. Please note: this variant was assessed in the context of healthy population screening.

Natera, Inc.
Classification: Likely pathogenic for Retinitis pigmentosa type 25. Last evaluated: 2025-01-21. Review status: criteria provided, single submitter. Criteria: Natera Variant Classification Schema (03/2026). Collection method: clinical testing. Allele origin: germline.
Comment: The c.5290dupA variant in EYS is a frameshift variant predicted to shift the reading frame beginning at codon 1764 and leads to a stop codon 6 codons downstream. This variant is expected to result in nonsense mediated decay, truncation, or a dysfunctional protein product. This variant is rare in the general population with a frequency below the threshold expected for the associated phenotype(s). Given the available evidence, this variant is classified as Likely Pathogenic.

Baylor Genetics
Classification: Likely pathogenic for Retinitis pigmentosa 25. Last evaluated: 2023-12-30. Review status: criteria provided, single submitter. Criteria: ACMG Guidelines, 2015. Collection method: clinical testing. Allele origin: unknown.

Labcorp Genetics (formerly Invitae), Labcorp
Classification: Pathogenic. Last evaluated: 2023-12-17. Review status: criteria provided, single submitter. Criteria: Invitae Variant Classification Sherloc (09022015). Collection method: clinical testing. Allele origin: germline.
Comment: This sequence change creates a premature translational stop signal (p.Ile1764Asnfs*6) in the EYS gene. It is expected to result in an absent or disrupted protein product. Loss-of-function variants in EYS are known to be pathogenic (PMID: 18836446, 20333770). This variant is present in population databases (rs761760327, gnomAD 0.01%). This variant has not been reported in the literature in individuals affected with EYS-related conditions. ClinVar contains an entry for this variant (Variation ID: 853125). For these reasons, this variant has been classified as Pathogenic.

Women's Health and Genetics/Laboratory Corporation of America, LabCorp
Classification: Likely pathogenic for Retinitis pigmentosa. Last evaluated: 2022-03-04. Review status: criteria provided, single submitter. Criteria: LabCorp Variant Classification Summary - May 2015. Collection method: clinical testing. Allele origin: germline.
Comment: Variant summary: EYS c.5290dupA (p.Ile1764AsnfsX6) results in a premature termination codon, predicted to cause a truncation of the encoded protein or absence of the protein due to nonsense mediated decay, which are commonly known mechanisms for disease. Truncations downstream of this position have been classified as pathogenic by our laboratory. The variant allele was found at a frequency of 6.5e-06 in 153564 control chromosomes (gnomAD). To our knowledge, no occurrence of c.5290dupA in individuals affected with Retinitis Pigmentosa and no experimental evidence demonstrating its impact on protein function have been reported. One ClinVar submitter has assessed this variant since 2014: the variant was classified as pathogenic. Based on the evidence outlined above, the variant was classified as likely pathogenic.

Literature cited by the submitters: PubMed 18836446 (cited by Labcorp Genetics (formerly Invitae), Labcorp); PubMed 20333770 (cited by Labcorp Genetics (formerly Invitae), Labcorp).

NM_001142800.2(EYS):c.5290dup (p.Ile1764fs)

Gene: EYS (EGF-like photoreceptor maintenance factor; minus strand). Cytogenetic location: 6q12.
Variant type: Duplication.
Coding change: c.5290dup on transcript NM_001142800.2 (MANE Select); coding-DNA position 5290, one base duplicated (A; older notation c.5290dupA).
Protein change: p.Ile1764fs; shifts the reading frame from isoleucine 1764.
Molecular consequence: frameshift variant.
Genome position (GRCh38, 1-based): chr6:64,590,577, T duplicated on the plus strand (A on the coding strand, the reverse complement: EYS is on the minus strand); the first of 3 consecutive T bases (chr6:64,590,577-64,590,579); duplicating any one gives the same sequence. VCF-style (leftmost placement, unchanged base first): chr6-64590576-A-AT. GRCh37 (hg19) VCF-style: chr6-65300469-A-AT.
Other names: c.5290dup, p.Ile1764fs (NM_001292009.2); c.5290dupA (NM_001142800.1); short protein forms I1764fs.
Identifiers: ClinVar variation 853125 (VCV000853125.12), dbSNP rs761760327, ClinGen allele CA3877026.